The following is an entry in ClinVar:

ClinVar aggregate classification (germline): Likely benign. Review status: criteria provided, multiple submitters, no conflicts (2 of 4 stars). 2 submissions from 2 submitters: Likely benign (2). Last evaluated 2024-08-19.

Conditions:
Catecholaminergic polymorphic ventricular tachycardia 1. Also called: VENTRICULAR TACHYCARDIA, CATECHOLAMINERGIC POLYMORPHIC, 1, WITH OR WITHOUT ATRIAL DYSFUNCTION AND/OR DILATED CARDIOMYOPATHY; VENTRICULAR TACHYCARDIA, STRESS-INDUCED POLYMORPHIC 1; RYR2-Related Catecholaminergic Polymorphic Ventricular Tachycardia. Identifiers: Orphanet 3286, MedGen C1631597, MONDO:0011484, OMIM 604772.

Allele frequency attached by ClinVar (database versions not stated): gnomAD exomes below 0.00001.
gnomAD v4.1: 1 of 1,602,362 alleles (0.000062%); highest among the groups gnomAD compares: Non-Finnish European, 0.000085%; no homozygotes.

Submissions (2):

Labcorp Genetics (formerly Invitae), Labcorp
Classification: Likely benign for Catecholaminergic polymorphic ventricular tachycardia 1. Last evaluated: 2024-08-19. Review status: criteria provided, single submitter. Criteria: Invitae Variant Classification Sherloc (09022015). Collection method: clinical testing. Allele origin: germline.

Laboratory for Molecular Medicine, Mass General Brigham Personalized Medicine
Classification: Likely benign. Last evaluated: 2018-08-22. Review status: criteria provided, single submitter. Criteria: LMM Criteria. Collection method: clinical testing. Allele origin: germline. Observed: 1 variant allele.
Comment: The c.1511-14T>C variant in TRDN is classified as likely benign because a T>C ch ange at this position does not diverge from the splice consensus sequence making it unlikely to impact splicing and computational splice prediction tools do not predict an impact on splicing. It was absent from large population studies. ACM G/AMP Criteria applied: BP4, BP7.

NM_006073.4(TRDN):c.1511-14T>C

Gene: TRDN (triadin; minus strand). Cytogenetic location: 6q22.31.
Variant type: single nucleotide variant.
Coding change: c.1511-14T>C on transcript NM_006073.4 (MANE Select); 14 bases into the intron before coding-DNA position 1511, T replaced by C.
Molecular consequence: intron variant.
Genome position (GRCh38, 1-based): chr6:123,279,096, A>G on the plus strand (T>C on the coding strand, the complement: TRDN is on the minus strand). VCF-style: chr6-123279096-A-G. GRCh37 (hg19) VCF-style: chr6-123600241-A-G.
Identifiers: ClinVar variation 666767 (VCV000666767.6), dbSNP rs1252673540, ClinGen allele CA570332340.